The following is an entry in ClinVar:

NM_020778.5(ALPK3):c.1653+6T>G

Genes: ALPK3 (alpha kinase 3; plus strand), LOC111718493 (skeletal muscle cis-regulatory module overlapping ALPK3; plus strand). Cytogenetic location: 15q25.3.
Variant type: single nucleotide variant.
Coding change: c.1653+6T>G on transcript NM_020778.5 (MANE Select); 6 bases into the intron after coding-DNA position 1653, T replaced by G.
Molecular consequence: intron variant.
Genome position (GRCh38, 1-based): chr15:84,840,938, T>G. VCF-style: chr15-84840938-T-G. GRCh37 (hg19) VCF-style: chr15-85384169-T-G.
Identifiers: ClinVar variation 1940675 (VCV001940675.5), dbSNP rs747301491, ClinGen allele CA7709244.

ClinVar aggregate classification (germline): Uncertain significance (1 of 4 stars; one submission).

Allele frequency attached by ClinVar (database versions not stated): ExAC 0.00001; gnomAD 0.00001; gnomAD exomes 0.00001; TOPMed 0.00002.
gnomAD v4.1: 12 of 1,559,450 alleles (0.00077%); highest among the groups gnomAD compares: African/African-American, 0.0027%; no homozygotes.

Submission:

Labcorp Genetics (formerly Invitae), Labcorp
Classification: Uncertain significance. Last evaluated: 2024-04-12. Review status: criteria provided, single submitter. Criteria: Invitae Variant Classification Sherloc (09022015). Collection method: clinical testing. Allele origin: germline.
Comment: This sequence change falls in intron 5 of the ALPK3 gene. It does not directly change the encoded amino acid sequence of the ALPK3 protein. It affects a nucleotide within the consensus splice site. This variant is present in population databases (rs747301491, gnomAD 0.009%). This variant has not been reported in the literature in individuals affected with ALPK3-related conditions. ClinVar contains an entry for this variant (Variation ID: 1940675). Variants that disrupt the consensus splice site are a relatively common cause of aberrant splicing (PMID: 17576681, 9536098). Algorithms developed to predict the effect of sequence changes on RNA splicing suggest that this variant may disrupt the consensus splice site. In summary, the available evidence is currently insufficient to determine the role of this variant in disease. Therefore, it has been classified as a Variant of Uncertain Significance.

Literature cited by the submitters: PubMed 17576681; PubMed 9536098.